The following is an entry in ClinVar:

ClinVar aggregate classification (germline): Conflicting classifications of pathogenicity. Review status: criteria provided, conflicting classifications (1 of 4 stars). 5 submissions from 5 submitters: Uncertain significance (1); Benign (2); Likely benign (2). Last evaluated 2026-01-11.

Conditions:
LAMP2-related disorder. Also called: LAMP2-related condition.
Cardiovascular phenotype. Identifiers: MedGen CN230736.
Danon disease. Also called: Glycogen Storage Disease Type IIb; GSD IIb; LYSOSOMAL GLYCOGEN STORAGE DISEASE WITHOUT ACID MALTASE DEFICIENCY; ANTOPOL DISEASE; PSEUDOGLYCOGENOSIS II. Identifiers: Orphanet 34587, MedGen C0878677, MONDO:0010281, OMIM 300257.

Allele frequency attached by ClinVar (database versions not stated): TOPMed 0.00003; gnomAD 0.00005 and 0.00006; gnomAD exomes 0.00011; ExAC 0.00013; 1000 Genomes Project 30x 0.00021; 1000 Genomes Project 0.00026.
gnomAD v4.1: 68 of 1,141,869 alleles (0.006%); highest among the groups gnomAD compares: South Asian, 0.097%; no homozygotes.

Submissions (5):

Labcorp Genetics (formerly Invitae), Labcorp
Classification: Benign for Danon disease. Last evaluated: 2026-01-11. Review status: criteria provided, single submitter. Criteria: Invitae Variant Classification Sherloc (09022015). Collection method: clinical testing. Allele origin: germline.

PreventionGenetics, part of Exact Sciences
Classification: Likely benign for LAMP2-related condition. Last evaluated: 2025-08-26. Review status: criteria provided, single submitter. Criteria: ACMG Guidelines, 2015. Collection method: clinical testing. Allele origin: germline.
Comment: This variant is classified as likely benign based on ACMG/AMP sequence variant interpretation guidelines (Richards et al. 2015 PMID: 25741868, with internal and published modifications).

Blueprint Genetics
Classification: Likely benign. Last evaluated: 2022-03-16. Review status: criteria provided, single submitter. Criteria: ACMG Guidelines, 2015. Collection method: clinical testing. Allele origin: germline.

Ambry Genetics
Classification: Benign for Cardiovascular phenotype. Last evaluated: 2018-12-04. Review status: criteria provided, single submitter. Criteria: Ambry Variant Classification Scheme 2023. Collection method: clinical testing. Allele origin: germline.

Laboratory for Molecular Medicine, Mass General Brigham Personalized Medicine
Classification: Uncertain significance. Last evaluated: 2012-10-03. Review status: criteria provided, single submitter. Criteria: LMM Criteria. Collection method: clinical testing. Allele origin: germline. Observed: 1 variant allele.
Comment: The Arg53His variant in LAMP2 has not been reported in the literature nor previo usly identified by our laboratory. The affected amino acid is poorly conserved i n evolution, suggesting that a change at this position would be tolerated. In ad dition, pathogenic missense variants in LAMP2 are exceedingly rare. In summary, this variant is less likely disease causing but additional information is neede d to establish its role with confidence.

NM_002294.3(LAMP2):c.158G>A (p.Arg53His)

Gene: LAMP2 (lysosome associated membrane protein 2; minus strand). Cytogenetic location: Xq24.
Variant type: single nucleotide variant.
Coding change: c.158G>A on transcript NM_002294.3 (MANE Select); coding-DNA position 158, G replaced by A.
Protein change: p.Arg53His; replaces arginine 53 with histidine.
Molecular consequence: missense variant.
Genome position (GRCh38, 1-based): chrX:120,456,676, C>T on the plus strand (G>A on the coding strand, the complement: LAMP2 is on the minus strand). VCF-style: chrX-120456676-C-T. GRCh37 (hg19) VCF-style: chrX-119590531-C-T.
Other names: c.158G>A, p.Arg53His (NM_001122606.1, NM_013995.2); short protein forms R53H.
Identifiers: ClinVar variation 44417 (VCV000044417.17), dbSNP rs397516735, ClinGen allele CA134071.